The following is an entry in ClinVar:

ClinVar aggregate classification (germline): Conflicting classifications of pathogenicity. Review status: criteria provided, conflicting classifications (1 of 4 stars). 3 submissions from 3 submitters: Uncertain significance (2); Likely benign (1). Last evaluated 2024-10-22.

Conditions:
Inborn genetic diseases. Identifiers: MedGen C0950123, MeSH D030342.
COG7 congenital disorder of glycosylation (CDG2E). Also called: CONGENITAL DISORDER OF GLYCOSYLATION, TYPE IIe; CDG IIe. Identifiers: Orphanet 79333, MedGen C2931010, MONDO:0012118, OMIM 608779.

Allele frequency attached by ClinVar (database versions not stated): ExAC 0.00001; gnomAD exomes 0.00002; gnomAD 0.00005; ESP Exome Variant Server 0.00008; 1000 Genomes Project 30x 0.00016; 1000 Genomes Project 0.00020.
gnomAD v4.1: 41 of 1,402,442 alleles (0.0029%); highest among the groups gnomAD compares: Middle Eastern, 0.088%; no homozygotes.

Submissions (3):

Labcorp Genetics (formerly Invitae), Labcorp
Classification: Uncertain significance for COG7 congenital disorder of glycosylation. Last evaluated: 2024-10-22. Review status: criteria provided, single submitter. Criteria: Invitae Variant Classification Sherloc (09022015). Collection method: clinical testing. Allele origin: germline.
Comment: This sequence change falls in intron 10 of the COG7 gene. It does not directly change the encoded amino acid sequence of the COG7 protein. It affects a nucleotide within the consensus splice site. This variant is present in population databases (rs371897770, gnomAD 0.02%). This variant has not been reported in the literature in individuals affected with COG7-related conditions. ClinVar contains an entry for this variant (Variation ID: 1941180). Variants that disrupt the consensus splice site are a relatively common cause of aberrant splicing (PMID: 17576681, 9536098). Algorithms developed to predict the effect of sequence changes on RNA splicing suggest that this variant is not likely to affect RNA splicing. In summary, the available evidence is currently insufficient to determine the role of this variant in disease. Therefore, it has been classified as a Variant of Uncertain Significance.

Blueprint Genetics
Classification: Likely benign. Last evaluated: 2024-02-14. Review status: criteria provided, single submitter. Criteria: ACMG Guidelines, 2015. Collection method: clinical testing. Allele origin: germline.

Ambry Genetics
Classification: Uncertain significance for Inborn genetic diseases. Last evaluated: 2022-08-01. Review status: criteria provided, single submitter. Criteria: Ambry Variant Classification Scheme 2023. Collection method: clinical testing. Allele origin: germline.
Comment: The c.1409+6C>G intronic alteration consists of a C to G substitution 6 nucleotides after exon 10 of the COG7 gene. Based on insufficient or conflicting evidence, the clinical significance of this alteration remains unclear.

Literature cited by the submitters: PubMed 17576681 (cited by Labcorp Genetics (formerly Invitae), Labcorp); PubMed 9536098 (cited by Labcorp Genetics (formerly Invitae), Labcorp).

NM_153603.4(COG7):c.1409+6C>G

Gene: COG7 (component of oligomeric golgi complex 7; minus strand). Cytogenetic location: 16p12.2.
Variant type: single nucleotide variant.
Coding change: c.1409+6C>G on transcript NM_153603.4 (MANE Select); 6 bases into the intron after coding-DNA position 1409, C replaced by G.
Molecular consequence: intron variant.
Genome position (GRCh38, 1-based): chr16:23,413,442, G>C on the plus strand (C>G on the coding strand, the complement: COG7 is on the minus strand). VCF-style: chr16-23413442-G-C. GRCh37 (hg19) VCF-style: chr16-23424763-G-C.
Identifiers: ClinVar variation 1941180 (VCV001941180.6), dbSNP rs371897770, ClinGen allele CA7960999.
Genomic context (GRCh38, chr16:23,413,442, plus strand): 5'-TACTATATCATGCATGTTTATGCTGGCTACATTAGGAACAAGCTTGAATTACAACCCCCG[G>C]TTTACCTAATGGAGTTCTGAAAAGCCGTCCAATCTTCCTGGAAGAGGGAGTTGGGAGGAA-3'